The following is an entry in ClinVar:

ClinVar aggregate classification (germline): Conflicting classifications of pathogenicity. Review status: criteria provided, conflicting classifications (1 of 4 stars). 2 submissions from 2 submitters: Uncertain significance (1); Likely benign (1). Last evaluated 2024-01-26.

Conditions:
Intellectual developmental disorder, autosomal dominant 52. Also called: Mental retardation, autosomal dominant 52; Intellectual disability, autosomal dominant 52. Identifiers: MedGen C4540478, MONDO:0030918, OMIM 617796.

gnomAD v4.1: 36 of 1,608,050 alleles (0.0022%); highest among the groups gnomAD compares: African/African-American, 0.036%; 1 homozygote.

Submissions (2):

Pittsburgh Clinical Genomics Laboratory, University of Pittsburgh Medical Center
Classification: Uncertain significance for Intellectual developmental disorder, autosomal dominant 52. Last evaluated: 2024-01-26. Review status: criteria provided, single submitter. Criteria: ACMG Guidelines, 2015. Collection method: clinical testing. Allele origin: germline. Inheritance: Autosomal dominant inheritance. Affected: yes.
Comment: This sequence variant is a single nucleotide substitution (C>T) at position 7356 of the coding sequence of the ASH1L gene. Though this is a synonymous change that does not alter residue coded by the Ile24 codon, this nucleotide change may impact splicing. This variant is absent from ClinVar and has not been observed in an individual affected by an ASH1L-related disorder in the published literature, to our knowledge. This variant is present in 16 of 395516 alleles (0.0040%) in the gnomAD population dataset. In silico tools suggest that this nucleotide change may generate a novel donor splice site, and the C at this position is moderately conserved across the vertebrate species examined. Studies examining the functional consequence of this variant have not been published, to our knowledge. At this time, there is insufficient evidence to determine if this variant is pathogenic or benign. Therefore, we consider this a variant of uncertain significance. ACMG Criteria: PM2, PP3

Blueprint Genetics
Classification: Likely benign. Last evaluated: 2023-11-23. Review status: criteria provided, single submitter. Criteria: ACMG Guidelines, 2015. Collection method: clinical testing. Allele origin: germline.

NM_018489.3(ASH1L):c.7356C>T (p.Ile2452=)

Gene: ASH1L (ASH1 like histone lysine methyltransferase; minus strand). Cytogenetic location: 1q22.
Variant type: single nucleotide variant.
Coding change: c.7356C>T on transcript NM_018489.3 (MANE Select); coding-DNA position 7356, C replaced by T.
Protein change: p.Ile2452=; no amino-acid change (isoleucine 2452 retained).
Molecular consequence: synonymous variant.
Genome position (GRCh38, 1-based): chr1:155,352,716, G>A on the plus strand (C>T on the coding strand, the complement: ASH1L is on the minus strand). VCF-style: chr1-155352716-G-A. GRCh37 (hg19) VCF-style: chr1-155322507-G-A.
Other names: c.7371C>T, p.Ile2457= (NM_001366177.2).
Identifiers: ClinVar variation 3376378 (VCV003376378.2).